The following is an entry in ClinVar:

ClinVar aggregate classification (germline): Likely benign (0 of 4 stars; one submission).

Conditions:
BBS10-related disorder. Also called: BBS10-related condition.

Submission:

PreventionGenetics, part of Exact Sciences
Classification: Likely benign for BBS10-related condition. Last evaluated: 2023-08-03. Review status: no assertion criteria provided. Collection method: clinical testing. Allele origin: germline.
Comment: This variant is classified as likely benign based on ACMG/AMP sequence variant interpretation guidelines (Richards et al. 2015 PMID: 25741868, with internal and published modifications).

NM_024685.4(BBS10):c.*8del

Gene: BBS10 (Bardet-Biedl syndrome 10; minus strand). Cytogenetic location: 12q21.2.
Variant type: Deletion.
Coding change: c.*8del on transcript NM_024685.4 (MANE Select); 8 bases downstream of the stop codon, one base deleted (A; older notation c.*8delA).
Molecular consequence: 3 prime UTR variant.
Genome position (GRCh38, 1-based): chr12:76,345,805, T deleted on the plus strand (A on the coding strand, the reverse complement: BBS10 is on the minus strand); the first of 2 consecutive T bases (chr12:76,345,805-76,345,806); deleting either gives the same sequence. VCF-style (leftmost placement, unchanged base first): chr12-76345804-CT-C. GRCh37 (hg19) VCF-style: chr12-76739584-CT-C.
Identifiers: ClinVar variation 3348911 (VCV003348911.1).